The following is an entry in ClinVar:

NM_002303.6(LEPR):c.908C>T (p.Ser303Leu)

Gene: LEPR (leptin receptor; plus strand). Cytogenetic location: 1p31.3.
Variant type: single nucleotide variant.
Coding change: c.908C>T on transcript NM_002303.6 (MANE Select); coding-DNA position 908, C replaced by T.
Protein change: p.Ser303Leu; replaces serine 303 with leucine.
Molecular consequence: missense variant.
Genome position (GRCh38, 1-based): chr1:65,598,718, C>T. VCF-style: chr1-65598718-C-T. GRCh37 (hg19) VCF-style: chr1-66064401-C-T.
Other names: c.908C>T, p.Ser303Leu (NM_001003679.3, NM_001003680.3, NM_001198687.2 and 2 more transcripts); short protein forms S303L.
Identifiers: ClinVar variation 2634154 (VCV002634154.2), dbSNP rs142544404, ClinGen allele CA894688.

ClinVar aggregate classification (germline): Uncertain significance (1 of 4 stars; one submission).

Conditions:
LEPR-related disorder. Also called: LEPR-related condition; LEPR-related disorders.

Allele frequency attached by ClinVar (database versions not stated): ExAC 0.00001; gnomAD 0.00003; TOPMed 0.00004.
gnomAD v4.1: 31 of 1,613,440 alleles (0.0019%); highest among the groups gnomAD compares: Middle Eastern, 0.017%; no homozygotes.

Submission:

PreventionGenetics, part of Exact Sciences
Classification: Uncertain significance for LEPR-related condition. Last evaluated: 2026-06-20. Review status: criteria provided, single submitter. Criteria: ACMG Guidelines, 2015. Collection method: clinical testing. Allele origin: germline.
Comment: The LEPR c.908C>T variant is predicted to result in the amino acid substitution p.Ser303Leu. To our knowledge, this variant has not been reported in the literature. This variant is reported in 0.0062% of alleles in individuals of African descent in gnomAD. At this time, the clinical significance of this variant is uncertain due to the absence of conclusive functional and genetic evidence.